The following is an entry in ClinVar:

ClinVar aggregate classification (germline): Conflicting classifications of pathogenicity. Review status: criteria provided, conflicting classifications (1 of 4 stars). 4 submissions from 4 submitters: Uncertain significance (3); Likely benign (1). Last evaluated 2026-01-05.

Conditions:
Febrile seizures, familial, 4 (FEB4). Also called: CONVULSIONS, FAMILIAL FEBRILE, 4. Identifiers: MedGen C1858493, MONDO:0011443, OMIM 604352.
Usher syndrome type 2C. Also called: USHER SYNDROME, TYPE IIC; Usher syndrome, type 2B. Identifiers: Orphanet 231178, Orphanet 886, MedGen C2931213, MONDO:0011558, OMIM 605472.
Inborn genetic diseases. Identifiers: MedGen C0950123, MeSH D030342.

Allele frequency attached by ClinVar (database versions not stated): gnomAD exomes below 0.00001; gnomAD 0.00002; TOPMed 0.00002.
gnomAD v4.1: 5 of 1,607,192 alleles (0.00031%); highest among the groups gnomAD compares: African/African-American, 0.0053%; no homozygotes.

Submissions (4):

Labcorp Genetics (formerly Invitae), Labcorp
Classification: Likely benign. Last evaluated: 2026-01-05. Review status: criteria provided, single submitter. Criteria: Invitae Variant Classification Sherloc (09022015). Collection method: clinical testing. Allele origin: germline.

Ambry Genetics
Classification: Uncertain significance for Inborn genetic diseases. Last evaluated: 2025-06-06. Review status: criteria provided, single submitter. Criteria: Ambry Variant Classification Scheme 2023. Collection method: clinical testing. Allele origin: germline.

GeneDx
Classification: Uncertain significance. Last evaluated: 2025-05-02. Review status: criteria provided, single submitter. Criteria: GeneDx Variant Classification Process June 2021. Collection method: clinical testing. Allele origin: germline. Affected: yes.
Comment: In silico analysis suggests that this missense variant does not alter protein structure/function; Has not been previously published as pathogenic or benign to our knowledge

Fulgent Genetics
Classification: Uncertain significance for Febrile seizures, familial, 4; Usher syndrome type 2C. Last evaluated: 2021-10-25. Review status: criteria provided, single submitter. Criteria: ACMG Guidelines, 2015. Collection method: clinical testing. Allele origin: unknown.

NM_032119.4(ADGRV1):c.7202T>C (p.Met2401Thr)

Gene: ADGRV1 (adhesion G protein-coupled receptor V1; plus strand). Cytogenetic location: 5q14.3.
Variant type: single nucleotide variant.
Coding change: c.7202T>C on transcript NM_032119.4 (MANE Select); coding-DNA position 7202, T replaced by C.
Protein change: p.Met2401Thr; replaces methionine 2401 with threonine.
Molecular consequence: missense variant. On other transcripts: non-coding transcript variant (1).
Genome position (GRCh38, 1-based): chr5:90,693,958, T>C. VCF-style: chr5-90693958-T-C. GRCh37 (hg19) VCF-style: chr5-89989775-T-C.
Other names: c.7202T>C (NM_032119.3); short protein forms M2401T.
Identifiers: ClinVar variation 1355355 (VCV001355355.9), dbSNP rs997831285, ClinGen allele CA122797324.
Genomic context (GRCh38, chr5:90,693,958, plus strand): 5'-ACTTTGGTCGGCTGTTGTTGTTCTACAGTACTTCCGACATTGATGTAGTGGCTCTGGCAA[T>C]GGAGGAAGGTCAAGATTTACTGTCCTACTATGAATCTCCAATTCAAGGGGTGCCTGACCC-3'
Protein context (NP_115495.3, residues 2391-2411): TSDIDVVALA[Met2401Thr]EEGQDLLSYY